The following is an entry in ClinVar:

NM_005876.5(SPEG):c.7445G>T (p.Gly2482Val)

Genes: ASIC4-AS1 (ASIC4 antisense RNA 1; minus strand), SPEG (striated muscle enriched protein kinase; plus strand). Cytogenetic location: 2q35.
Variant type: single nucleotide variant.
Coding change: c.7445G>T on transcript NM_005876.5 (MANE Select); coding-DNA position 7445, G replaced by T.
Protein change: p.Gly2482Val; replaces glycine 2482 with valine.
Molecular consequence: missense variant.
Genome position (GRCh38, 1-based): chr2:219,484,908, G>T. VCF-style: chr2-219484908-G-T. GRCh37 (hg19) VCF-style: chr2-220349630-G-T.
Other names: c.7445G>T (NM_005876.4); short protein forms G2482V.
Identifiers: ClinVar variation 1361342 (VCV001361342.7), dbSNP rs920639962, ClinGen allele CA350702548.
Genomic context (GRCh38, chr2:219,484,908, plus strand): 5'-AGCGGCTGTCCAGCCGATTGCAGCGCAGTGGCAGCAGCGAGGACTCGGGGGGCGCGTCGG[G>T]CCGCAGCACGCCGCTGTTCGGACGGCTTCGCAGGGCCACGTCCGAGGGCGAGAGTCTGCG-3'
Protein context (NP_005867.3, residues 2472-2492): GSSEDSGGAS[Gly2482Val]RSTPLFGRLR

ClinVar aggregate classification (germline): Uncertain significance. Review status: criteria provided, multiple submitters, no conflicts (2 of 4 stars). 2 submissions from 2 submitters: Uncertain significance (2). Last evaluated 2025-08-30.

Conditions:
Inborn genetic diseases. Identifiers: MedGen C0950123, MeSH D030342.

Submissions (2):

Ambry Genetics
Classification: Uncertain significance for Inborn genetic diseases. Last evaluated: 2025-08-30. Review status: criteria provided, single submitter. Criteria: Ambry Variant Classification Scheme 2023. Collection method: clinical testing. Allele origin: germline.

Labcorp Genetics (formerly Invitae), Labcorp
Classification: Uncertain significance. Last evaluated: 2022-11-28. Review status: criteria provided, single submitter. Criteria: Invitae Variant Classification Sherloc (09022015). Collection method: clinical testing. Allele origin: germline.
Comment: ClinVar contains an entry for this variant (Variation ID: 1361342). This sequence change replaces glycine, which is neutral and non-polar, with valine, which is neutral and non-polar, at codon 2482 of the SPEG protein (p.Gly2482Val). This variant is not present in population databases (gnomAD no frequency). This variant has not been reported in the literature in individuals affected with SPEG-related conditions. Algorithms developed to predict the effect of missense changes on protein structure and function output the following: SIFT: "Tolerated"; PolyPhen-2: "Possibly Damaging"; Align-GVGD: "Class C0". The valine amino acid residue is found in multiple mammalian species, which suggests that this missense change does not adversely affect protein function. In summary, the available evidence is currently insufficient to determine the role of this variant in disease. Therefore, it has been classified as a Variant of Uncertain Significance.